The following is an entry in ClinVar:

NM_001129820.2(SLFN14):c.1108G>A (p.Ala370Thr)

Genes: SLFN14 (schlafen family member 14; minus strand), LOC107985033 (uncharacterized LOC107985033; plus strand). Cytogenetic location: 17q12.
Variant type: single nucleotide variant.
Coding change: c.1108G>A on transcript NM_001129820.2 (MANE Select); coding-DNA position 1108, G replaced by A.
Protein change: p.Ala370Thr; replaces alanine 370 with threonine.
Molecular consequence: missense variant. On other transcripts: non-coding transcript variant (2).
Genome position (GRCh38, 1-based): chr17:35,554,657, C>T on the plus strand (G>A on the coding strand, the complement: SLFN14 is on the minus strand). VCF-style: chr17-35554657-C-T. GRCh37 (hg19) VCF-style: chr17-33881676-C-T.
Other names: c.1108G>A (NM_001129820.1); short protein forms A370T.
Identifiers: ClinVar variation 1339107 (VCV001339107.5), dbSNP rs989179732, ClinGen allele CA399130237.
Genomic context (GRCh38, chr17:35,554,657, plus strand): 5'-GAGCCTCCTTAAATTTGTGGACTTTTATGGGATATCCGGGACTTTTTCGTGCAGATGAAG[C>T]TGATGAAATCAGGCAAGAGTTGTAGTCTGTGACCAAACTGGGAGGAGCTAGACAATTACA-3'
Protein context (NP_001123292.1, residues 360-380): TDYNSCLISS[Ala370Thr]SSARKSPGYP

ClinVar aggregate classification (germline): Uncertain significance. Review status: criteria provided, multiple submitters, no conflicts (2 of 4 stars). 2 submissions from 2 submitters: Uncertain significance (2). Last evaluated 2021-12-14.

Conditions:
Inborn genetic diseases. Identifiers: MedGen C0950123, MeSH D030342.
Platelet-type bleeding disorder 20 (BDPLT20). Identifiers: Orphanet 466806, MedGen C4310797, MONDO:0014830, OMIM 616913.

Submissions (2):

Ambry Genetics
Classification: Uncertain significance for Inborn genetic diseases. Last evaluated: 2021-12-14. Review status: criteria provided, single submitter. Criteria: Ambry Variant Classification Scheme 2023. Collection method: clinical testing. Allele origin: germline.

Neuberg Centre For Genomic Medicine, NCGM
Classification: Uncertain significance for Platelet-type bleeding disorder 20. Review status: criteria provided, single submitter. Criteria: ACMG Guidelines, 2015. Collection method: clinical testing. Allele origin: germline. Affected: yes.
Comment: The missense variant p.A370T in SLFN14 (NM_001129820.2) has not been reported previously as a pathogenic variant nor as a benign variant, to our knowledge. The p.A370T variant is novel (not in any individuals) in gnomAD Exomes and is novel (not in any individuals) in 1000 Genomes. The p.A370T missense variant is predicted to be tolerated by both SIFT or PolyPhen2. The nucleotide c.1108 in SLFN14 is not conserved according to a GERP++ and PhyloP analysis of 100 vertebrates. For these reasons, this variant has been classified as Uncertain Significance.